The following is an entry in ClinVar:

NM_138927.4(SON):c.924A>G (p.Val308=)

Gene: SON (SON DNA and RNA binding protein; plus strand). Cytogenetic location: 21q22.11.
Variant type: single nucleotide variant.
Coding change: c.924A>G on transcript NM_138927.4 (MANE Select); coding-DNA position 924, A replaced by G.
Protein change: p.Val308=; no amino-acid change (valine 308 retained).
Molecular consequence: synonymous variant. On other transcripts: non-coding transcript variant (1), intron variant (1).
Genome position (GRCh38, 1-based): chr21:33,550,155, A>G. VCF-style: chr21-33550155-A-G. GRCh37 (hg19) VCF-style: chr21-34922461-A-G.
Other names: c.924A>G, p.Val308= (NM_001291411.2, NM_001412133.1, NM_032195.3 and 2 more transcripts); c.244+3776A>G (NM_001291412.3).
Identifiers: ClinVar variation 2652607 (VCV002652607.27), dbSNP rs763144123, ClinGen allele CA10008777.

ClinVar aggregate classification (germline): Likely benign. Review status: criteria provided, multiple submitters, no conflicts (2 of 4 stars). 2 submissions from 2 submitters: Likely benign (2). Last evaluated 2023-08-11.

Allele frequency attached by ClinVar (database versions not stated): TOPMed below 0.00001; ExAC 0.00001; gnomAD exomes 0.00001.
gnomAD v4.1: 9 of 1,614,230 alleles (0.00056%); highest among the groups gnomAD compares: Non-Finnish European, 0.00076%; no homozygotes.

Submissions (2):

Labcorp Genetics (formerly Invitae), Labcorp
Classification: Likely benign. Last evaluated: 2023-08-11. Review status: criteria provided, single submitter. Criteria: Invitae Variant Classification Sherloc (09022015). Collection method: clinical testing. Allele origin: germline.

CeGaT Center for Human Genetics Tuebingen
Classification: Likely benign. Last evaluated: 2022-09-01. Review status: criteria provided, single submitter. Criteria: CeGaT Center For Human Genetics Tuebingen Variant Classification Criteria Version 2. Collection method: clinical testing. Allele origin: germline. Affected: yes. Observed: 1 variant allele.
Comment: SON: BP4, BP7